The following is an entry in ClinVar:

NM_001267550.2(TTN):c.46429+1G>T

Genes: TTN (titin; minus strand), TTN-AS1 (TTN antisense RNA 1; plus strand). Cytogenetic location: 2q31.2.
Variant type: single nucleotide variant.
Coding change: c.46429+1G>T on transcript NM_001267550.2 (MANE Select); the canonical splice donor site of the intron after coding-DNA position 46429, G replaced by T.
Molecular consequence: splice donor variant. On other transcripts: non-coding transcript variant (1).
Genome position (GRCh38, 1-based): chr2:178,619,987, C>A on the plus strand (G>T on the coding strand, the complement: TTN is on the minus strand). VCF-style: chr2-178619987-C-A. GRCh37 (hg19) VCF-style: chr2-179484714-C-A.
Other names: c.19234+1G>T (NM_003319.4); c.19810+1G>T (NM_133437.4); c.19609+1G>T (NM_133432.3); c.38725+1G>T (NM_133378.4); c.41506+1G>T (NM_001256850.1).
Identifiers: ClinVar variation 1466752 (VCV001466752.7), dbSNP rs2154210677, ClinGen allele CA349626552.

ClinVar aggregate classification (germline): Pathogenic/Likely pathogenic. Review status: criteria provided, multiple submitters, no conflicts (2 of 4 stars). 2 submissions from 2 submitters: Pathogenic (1); Likely pathogenic (1). Last evaluated 2025-11-11.

Conditions:
Dilated cardiomyopathy 1G (CMD1G). Identifiers: Orphanet 154, MedGen C1858763, MONDO:0011400, OMIM 604145.
Autosomal recessive limb-girdle muscular dystrophy type 2J (LGMDR10). Also called: Limb-girdle muscular dystrophy, type 2J; MUSCULAR DYSTROPHY, LIMB-GIRDLE, AUTOSOMAL RECESSIVE 10. Identifiers: Orphanet 140922, MedGen C1837342, MONDO:0012127, OMIM 608807.

Submissions (2):

Labcorp Genetics (formerly Invitae), Labcorp
Classification: Likely pathogenic for Dilated cardiomyopathy 1G; Autosomal recessive limb-girdle muscular dystrophy type 2J. Last evaluated: 2025-11-11. Review status: criteria provided, single submitter. Criteria: Invitae Variant Classification Sherloc (09022015). Collection method: clinical testing. Allele origin: germline.
Comment: This sequence change affects a donor splice site in intron 249 of the TTN gene. It is expected to disrupt RNA splicing and likely results in a truncated or disrupted TTN protein. This variant is not present in population databases (gnomAD no frequency). This variant has not been observed in the literature in individuals with autosomal recessive TTN-related conditions. This variant has been reported in individual(s) with clinical features of autosomal dominant dilated cardiomyopathy (internal data); however, the role of the variant in this condition is currently unclear. ClinVar contains an entry for this variant (Variation ID: 1466752). Algorithms developed to predict the effect of sequence changes on RNA splicing suggest that this variant may disrupt the consensus splice site. This variant is located in the I band of TTN (PMID: 25589632). Truncating variants in this region have been reported in individuals affected with autosomal recessive centronuclear myopathy (PMID: 23975875, internal data). Truncating variants in this region have also been identified in individuals affected with autosomal dominant dilated cardiomyopathy and/or cardio-related conditions (PMID: 27869827, 32964742, internal data). In summary, the currently available evidence indicates that the variant is pathogenic, but additional data are needed to prove that conclusively. Therefore, this variant has been classified as Likely Pathogenic.

GeneDx
Classification: Pathogenic. Last evaluated: 2023-12-14. Review status: criteria provided, single submitter. Criteria: GeneDx Variant Classification Process June 2021. Collection method: clinical testing. Allele origin: germline. Affected: yes.
Comment: Canonical splice site variant predicted to result in a null allele in a gene for which loss of function is a known mechanism of disease; Not observed at significant frequency in large population cohorts (gnomAD); Has not been previously published as pathogenic or benign to our knowledge; This variant is associated with the following publications: (PMID: 27625338, 27869827)

Literature cited by the submitters: PubMed 25589632 (cited by Labcorp Genetics (formerly Invitae), Labcorp); PubMed 23975875 (cited by Labcorp Genetics (formerly Invitae), Labcorp); PubMed 27869827 (cited by Labcorp Genetics (formerly Invitae), Labcorp); PubMed 32964742 (cited by Labcorp Genetics (formerly Invitae), Labcorp).